The following is an entry in ClinVar:

NM_001103.4(ACTN2):c.1832G>A (p.Trp611Ter)

Gene: ACTN2 (actinin alpha 2; plus strand). Cytogenetic location: 1q43.
Variant type: single nucleotide variant.
Coding change: c.1832G>A on transcript NM_001103.4 (MANE Select); coding-DNA position 1832, G replaced by A.
Protein change: p.Trp611Ter; replaces tryptophan 611 with a stop codon.
Molecular consequence: nonsense.
Genome position (GRCh38, 1-based): chr1:236,751,645, G>A. VCF-style: chr1-236751645-G-A. GRCh37 (hg19) VCF-style: chr1-236914945-G-A.
Other names: c.1832G>A, p.Trp611Ter (NM_001278343.2); c.1208G>A, p.Trp403Ter (NM_001278344.2); c.1082G>A, p.Trp361Ter (NM_001412150.1); short protein forms W403*, W611*, W361*.
Identifiers: ClinVar variation 1780984 (VCV001780984.3), dbSNP rs2527636780, ClinGen allele CA345386478.

ClinVar aggregate classification (germline): Uncertain significance. Review status: criteria provided, multiple submitters, no conflicts (2 of 4 stars). 2 submissions from 2 submitters: Uncertain significance (2). Last evaluated 2025-08-20.

Conditions:
Cardiovascular phenotype. Identifiers: MedGen CN230736.
Dilated cardiomyopathy 1AA (CMD1AA). Also called: Cardiomyopathy, dilated, 1AA, with or without LVNC; CARDIOMYOPATHY, DILATED, 1AA, WITH OR WITHOUT LEFT VENTRICULAR NONCOMPACTION; CARDIOMYOPATHY, FAMILIAL HYPERTROPHIC, 23, WITH OR WITHOUT LEFT VENTRICULAR NONCOMPACTION. Identifiers: Orphanet 154, MedGen C2677338, MONDO:0012808, OMIM 612158.
Primary familial hypertrophic cardiomyopathy (HCM). Identifiers: Orphanet 99739, MedGen C0949658, MeSH D024741, MONDO:0024573. Inheritance: Various modes of inheritance.

Submissions (2):

Labcorp Genetics (formerly Invitae), Labcorp
Classification: Uncertain significance for Primary familial hypertrophic cardiomyopathy; Dilated cardiomyopathy 1AA. Last evaluated: 2025-08-20. Review status: criteria provided, single submitter. Criteria: Invitae Variant Classification Sherloc (09022015). Collection method: clinical testing. Allele origin: germline.
Comment: This sequence change creates a premature translational stop signal (p.Trp611*) in the ACTN2 gene. It is expected to result in an absent or disrupted protein product. However, the current clinical and genetic evidence is not sufficient to establish whether loss-of-function variants in ACTN2 cause disease. This variant is not present in population databases (gnomAD no frequency). This variant has not been reported in the literature in individuals affected with ACTN2-related conditions. ClinVar contains an entry for this variant (Variation ID: 1780984). In summary, the available evidence is currently insufficient to determine the role of this variant in disease. Therefore, it has been classified as a Variant of Uncertain Significance.

Ambry Genetics
Classification: Uncertain significance for Cardiovascular phenotype. Last evaluated: 2018-03-29. Review status: criteria provided, single submitter. Criteria: Ambry Variant Classification Scheme 2023. Collection method: clinical testing. Allele origin: germline.
Comment: The p.W611* variant (also known as c.1832G>A), located in coding exon 15 of the ACTN2 gene, results from a G to A substitution at nucleotide position 1832. This changes the amino acid from a tryptophan to a stop codon within coding exon 15. This alteration is expected to result in loss of function by premature protein truncation or nonsense-mediated mRNA decay. However, loss of function of ACTN2 has not been clearly established as a mechanism of disease. Since supporting evidence is limited at this time, the clinical significance of this alteration remains unclear.